The following is an entry in ClinVar:

ClinVar aggregate classification (germline): Benign/Likely benign. Review status: criteria provided, multiple submitters, no conflicts (2 of 4 stars). 4 submissions from 4 submitters: Benign (1); Likely benign (3). Last evaluated 2024-12-30.

Conditions:
Hereditary nonpolyposis colorectal neoplasms. Identifiers: MedGen C0009405, MeSH D003123.
Lynch syndrome 5 (LYNCH5). Also called: Hereditary non-polyposis colorectal cancer, type 5; Colorectal cancer, hereditary nonpolyposis, type 5. Identifiers: Orphanet 144, MedGen C1833477, MONDO:0013710, OMIM 614350. Disease mechanism: loss of function.
Hereditary cancer-predisposing syndrome. Also called: Hereditary Cancer Syndrome; Hereditary neoplastic syndrome; Neoplastic Syndromes, Hereditary; Tumor predisposition. Identifiers: Orphanet 140162, MedGen C0027672, MeSH D009386, MONDO:0015356.

Allele frequency attached by ClinVar (database versions not stated): gnomAD exomes below 0.00001 and 0.00001; ExAC 0.00001.
gnomAD v4.1: 17 of 1,614,178 alleles (0.0011%); highest among the groups gnomAD compares: Non-Finnish European, 0.0014%; no homozygotes.

Submissions (4):

Myriad Genetics, Inc.
Classification: Benign for Lynch syndrome 5. Last evaluated: 2024-12-30. Review status: criteria provided, single submitter. Criteria: Myriad Autosomal Dominant, Autosomal Recessive and X-Linked Classification Criteria (2023). Collection method: clinical testing. Allele origin: unknown.
Comment: This variant is considered benign. This variant is a silent/synonymous amino acid change and it is not expected to impact splicing.

Labcorp Genetics (formerly Invitae), Labcorp
Classification: Likely benign for Hereditary nonpolyposis colorectal neoplasms. Last evaluated: 2024-11-18. Review status: criteria provided, single submitter. Criteria: Invitae Variant Classification Sherloc (09022015). Collection method: clinical testing. Allele origin: germline.

Ambry Genetics
Classification: Likely benign for Hereditary cancer-predisposing syndrome. Last evaluated: 2019-10-26. Review status: criteria provided, single submitter. Criteria: Ambry Variant Classification Scheme 2023. Collection method: clinical testing. Allele origin: germline.

GeneDx
Classification: Likely benign. Last evaluated: 2018-02-27. Review status: criteria provided, single submitter. Criteria: GeneDx Variant Classification (06012015). Collection method: clinical testing. Allele origin: germline. Affected: yes.
Comment: This variant is considered likely benign or benign based on one or more of the following criteria: it is a conservative change, it occurs at a poorly conserved position in the protein, it is predicted to be benign by multiple in silico algorithms, and/or has population frequency not consistent with disease.

NM_000179.3(MSH6):c.2227T>C (p.Leu743=)

Gene: MSH6 (mutS homolog 6; plus strand). Cytogenetic location: 2p16.3.
Variant type: single nucleotide variant.
Coding change: c.2227T>C on transcript NM_000179.3 (MANE Select); coding-DNA position 2227, T replaced by C.
Protein change: p.Leu743=; no amino-acid change (leucine 743 retained).
Molecular consequence: synonymous variant.
Genome position (GRCh38, 1-based): chr2:47,800,210, T>C. VCF-style: chr2-47800210-T-C. GRCh37 (hg19) VCF-style: chr2-48027349-T-C.
Other names: c.1837T>C, p.Leu613= (NM_001281492.2); c.1321T>C, p.Leu441= (NM_001281493.2, NM_001281494.2).
Identifiers: ClinVar variation 389677 (VCV000389677.15), dbSNP rs749308906, ClinGen allele CA068632.
Genomic context (GRCh38, chr2:47,800,210, plus strand): 5'-GGTGCTATCTTCACCAAAGCCTATCAACGAATGGTGCTAGATGCAGTGACATTAAACAAC[T>C]TGGAGATTTTTCTGAATGGAACAAATGGTTCTACTGAAGGAACCCTACTAGAGAGGGTTG-3'
Protein context (NP_000170.1, residues 733-753): MVLDAVTLNN[Leu743=]EIFLNGTNGS